The following is an entry in ClinVar:

ClinVar aggregate classification (germline): Uncertain significance (1 of 4 stars; one submission).

Submission:

GeneDx
Classification: Uncertain significance. Last evaluated: 2022-08-31. Review status: criteria provided, single submitter. Criteria: GeneDx Variant Classification Process June 2021. Collection method: clinical testing. Allele origin: germline. Affected: yes.
Comment: Not observed at significant frequency in large population cohorts (gnomAD); In silico analysis supports that this missense variant does not alter protein structure/function; Has not been previously published as pathogenic or benign to our knowledge; This variant is associated with the following publications: (PMID: 22419737, 19782031)

NM_007194.4(CHEK2):c.937G>C (p.Val313Leu)

Gene: CHEK2 (checkpoint kinase 2; minus strand). Cytogenetic location: 22q12.1.
Variant type: single nucleotide variant.
Coding change: c.937G>C on transcript NM_007194.4 (MANE Select); coding-DNA position 937, G replaced by C.
Protein change: p.Val313Leu; replaces valine 313 with leucine.
Molecular consequence: missense variant.
Genome position (GRCh38, 1-based): chr22:28,699,909, C>G on the plus strand (G>C on the coding strand, the complement: CHEK2 is on the minus strand). VCF-style: chr22-28699909-C-G. GRCh37 (hg19) VCF-style: chr22-29095897-C-G.
Other names: c.274G>C, p.Val92Leu (NM_001257387.3); c.736G>C, p.Val246Leu (NM_001349956.3); c.937G>C, p.Val313Leu (NM_145862.3); c.1066G>C, p.Val356Leu (NM_001005735.3); short protein forms V246L, V313L, V356L, V92L.
Identifiers: ClinVar variation 2442633 (VCV002442633.1), dbSNP rs752302543, ClinGen allele CA411099996.